The following is an entry in ClinVar:

NM_015178.3(RHOBTB2):c.1269G>A (p.Pro423=)

Gene: RHOBTB2 (Rho related BTB domain containing 2; plus strand). Cytogenetic location: 8p21.3.
Variant type: single nucleotide variant.
Coding change: c.1269G>A on transcript NM_015178.3 (MANE Select); coding-DNA position 1269, G replaced by A.
Protein change: p.Pro423=; no amino-acid change (proline 423 retained).
Molecular consequence: synonymous variant.
Genome position (GRCh38, 1-based): chr8:23,007,514, G>A. VCF-style: chr8-23007514-G-A. GRCh37 (hg19) VCF-style: chr8-22865027-G-A.
Other names: c.1335G>A, p.Pro445= (NM_001160036.2); c.1290G>A, p.Pro430= (NM_001160037.2); c.1269G>A, p.Pro423= (NM_001374791.1).
Identifiers: ClinVar variation 2191658 (VCV002191658.6), dbSNP rs371489921, ClinGen allele CA4672639.

ClinVar aggregate classification (germline): Likely benign. Review status: criteria provided, multiple submitters, no conflicts (2 of 4 stars). 2 submissions from 2 submitters: Likely benign (2). Last evaluated 2026-05-01.

Allele frequency attached by ClinVar (database versions not stated): gnomAD exomes 0.00004; gnomAD 0.00005; ExAC 0.00009.
gnomAD v4.1: 59 of 1,613,774 alleles (0.0037%); highest among the groups gnomAD compares: Middle Eastern, 0.016%; no homozygotes.

Submissions (2):

CeGaT Center for Human Genetics Tuebingen
Classification: Likely benign. Last evaluated: 2026-05-01. Review status: criteria provided, single submitter. Criteria: CeGaT Center For Human Genetics Tuebingen Variant Classification Criteria Version 2. Collection method: clinical testing. Allele origin: germline. Affected: yes. Observed: 1 variant allele.
Comment: RHOBTB2: BP4, BP7

Labcorp Genetics (formerly Invitae), Labcorp
Classification: Likely benign. Last evaluated: 2025-09-02. Review status: criteria provided, single submitter. Criteria: Invitae Variant Classification Sherloc (09022015). Collection method: clinical testing. Allele origin: germline.